The following is an entry in ClinVar:

NM_005097.4(LGI1):c.388del (p.Ile130fs)

Gene: LGI1 (leucine rich glioma inactivated 1; plus strand). Cytogenetic location: 10q23.33.
Variant type: Deletion.
Coding change: c.388del on transcript NM_005097.4 (MANE Select); coding-DNA position 388, one base deleted (A; older notation c.388delA).
Protein change: p.Ile130fs; shifts the reading frame from isoleucine 130.
Molecular consequence: frameshift variant. On other transcripts: intron variant (1).
Genome position (GRCh38, 1-based): chr10:93,777,574, A deleted; the last of 2 consecutive A bases (chr10:93,777,573-93,777,574); deleting either gives the same sequence. VCF-style (leftmost placement, unchanged base first): chr10-93777572-CA-C. GRCh37 (hg19) VCF-style: chr10-95537329-CA-C.
Other names: c.388del, p.Ile130fs (NM_001308275.2); c.288-12525del (NM_001308276.2); short protein forms I130fs.
Identifiers: ClinVar variation 450729 (VCV000450729.2), dbSNP rs1554905068, ClinGen allele CA658658006.

ClinVar aggregate classification (germline): Likely pathogenic (1 of 4 stars; one submission).

Submission:

GeneDx
Classification: Likely pathogenic. Last evaluated: 2017-07-21. Review status: criteria provided, single submitter. Criteria: GeneDx Variant Classification (06012015). Collection method: clinical testing. Allele origin: germline. Affected: yes.
Comment: A variant that is likely pathogenic has been identified in the LGI1 gene. The c.388delA variant has not been published as a pathogenic variant, nor has it been reported as a benign variant to our knowledge. The c.388delA variant is not observed in large population cohorts (Lek et al., 2016; 1000 Genomes Consortium et al., 2015; Exome Variant Server). The c.388delA pathogenic variant in the LGI1 gene causes a frameshift starting with codon Isoleucine 130, changes this amino acid to a Phenylalanine residue and creates a premature Stop codon at position 9 of the new reading frame, denoted p.I140FfsX9. This variant is predicted to cause loss of normal protein function either through protein truncation or nonsense-mediated mRNA decay. Therefore, this variant is likely pathogenic; however, the possibility that it is benign cannot be excluded.